The following is an entry in ClinVar:

ClinVar aggregate classification (germline): Conflicting classifications of pathogenicity. Review status: criteria provided, conflicting classifications (1 of 4 stars). 6 submissions from 6 submitters: Uncertain significance (5); Likely benign (1). Last evaluated 2026-08-14.

Conditions:
Hereditary cancer-predisposing syndrome. Also called: Tumor predisposition; Hereditary neoplastic syndrome; Neoplastic Syndromes, Hereditary; Hereditary Cancer Syndrome. Identifiers: Orphanet 140162, MedGen C0027672, MeSH D009386, MONDO:0015356.
Hereditary breast ovarian cancer syndrome. Also called: Hereditary breast and ovarian cancer; Hereditary breast and ovarian cancer syndrome (HBOC); Hereditary breast and/or ovarian cancer syndrome; Hereditary breast and ovarian cancer syndrome; Breast and ovarian cancer; BRCA1- and BRCA2-Associated Hereditary Breast and Ovarian Cancer. Identifiers: Orphanet 145, MedGen C0677776, MeSH D061325, MONDO:0003582. Disease mechanism: loss of function.
Breast and/or ovarian cancer. Identifiers: MedGen CN221562.
Breast-ovarian cancer, familial, susceptibility to, 1 (BROVCA1). Also called: BRCA1 Hereditary Breast and Ovarian Cancer; OVARIAN CANCER, SUSCEPTIBILITY TO. Identifiers: Orphanet 145, MedGen C2676676, MONDO:0011450, OMIM 604370. Disease mechanism: loss of function.

gnomAD v4.1: 1 of 1,613,972 alleles (0.000062%); highest among the groups gnomAD compares: Non-Finnish European, 0.000085%; no homozygotes.

Submissions (7):

Ambry Genetics
Classification: Likely benign for Hereditary cancer-predisposing syndrome. Last evaluated: 2026-08-14. Review status: criteria provided, single submitter. Criteria: Ambry Variant Classification Scheme 2023. Collection method: clinical testing. Allele origin: germline.

Color Diagnostics, LLC DBA Color Health
Classification: Uncertain significance for Hereditary cancer-predisposing syndrome. Last evaluated: 2025-09-16. Review status: criteria provided, single submitter. Criteria: ACMG Guidelines, 2015. Collection method: clinical testing. Allele origin: germline.
Comment: This missense variant replaces aspartic acid with glutamic acid at codon 1778 of the BRCA1 protein. Computational prediction is inconclusive regarding the impact of this variant on protein structure and function. A functional study has shown that this variant does not impact BRCA1 in a haploid cell proliferation assay (PMID: 30209399). This variant has been reported in an individual affected with breast cancer (PMID: 32803532) and in a breast cancer case-control meta-analysis in 0/60466 cases and 1/53461 unaffected individuals (PMID: 33471991Leiden Open Variation Database DB-ID BRCA1_006153). This variant has not been identified in the general population by the Genome Aggregation Database (gnomAD). The available evidence is insufficient to determine the role of this variant in disease conclusively. Therefore, this variant is classified as a Variant of Uncertain Significance.

Labcorp Genetics (formerly Invitae), Labcorp
Classification: Uncertain significance for Hereditary breast ovarian cancer syndrome. Last evaluated: 2024-04-09. Review status: criteria provided, single submitter. Criteria: Invitae Variant Classification Sherloc (09022015). Collection method: clinical testing. Allele origin: germline.
Comment: This sequence change replaces aspartic acid, which is acidic and polar, with glutamic acid, which is acidic and polar, at codon 1778 of the BRCA1 protein (p.Asp1778Glu). This variant is not present in population databases (gnomAD no frequency). This variant has not been reported in the literature in individuals affected with BRCA1-related conditions. ClinVar contains an entry for this variant (Variation ID: 865356). An algorithm developed to predict the effect of missense changes on protein structure and function (PolyPhen-2) suggests that this variant is likely to be tolerated. Experimental studies have shown that this missense change does not substantially affect BRCA1 function (PMID: 32803532). In summary, the available evidence is currently insufficient to determine the role of this variant in disease. Therefore, it has been classified as a Variant of Uncertain Significance.

Baylor Genetics
Classification: Uncertain significance for Breast-ovarian cancer, familial, susceptibility to, 1. Last evaluated: 2024-03-17. Review status: criteria provided, single submitter. Criteria: ACMG Guidelines, 2015. Collection method: clinical testing. Allele origin: unknown.

CHEO Genetics Diagnostic Laboratory, Children's Hospital of Eastern Ontario
Classification: Uncertain significance for Breast and/or ovarian cancer. Last evaluated: 2023-02-23. Review status: criteria provided, single submitter. Criteria: ACMG Guidelines, 2015. Collection method: clinical testing. Allele origin: germline.

Breast Center, Key Laboratory of Carcinogenesis and Translational Research
Classification: Uncertain significance for Hereditary breast and ovarian cancer syndrome. Last evaluated: 2020-05-01. Review status: criteria provided, single submitter. Criteria: ACMG Guidelines, 2015. Collection method: clinical testing. Allele origin: germline. Observed: 1 variant allele.

Brotman Baty Institute, University of Washington
No classification provided (evidence only). Condition: Breast-ovarian cancer, familial 1. Review status: no classification provided. Collection method: in vitro. Allele origin: not applicable. Functional consequence: functionally_normal. Not counted in ClinVar's aggregate classification.
ClinVar note: "not provided" was previously submitted as the classification for the variant. However, the classification appeared to be based only on an observation of functional data so it was converted to no classification on 2025-07-30.

Literature cited by the submitters: PubMed 30209399 (cited by 3 submitters); PubMed 35196514 (cited by Ambry Genetics); PubMed 32803532 (cited by Color Diagnostics, LLC DBA Color Health and Labcorp Genetics (formerly Invitae), Labcorp); PubMed 33471991 (cited by Color Diagnostics, LLC DBA Color Health).

NM_007294.4(BRCA1):c.5334T>A (p.Asp1778Glu)

Gene: BRCA1 (BRCA1 DNA repair associated; minus strand). Cytogenetic location: 17q21.31.
Variant type: single nucleotide variant.
Coding change: c.5334T>A on transcript NM_007294.4 (MANE Select); coding-DNA position 5334, T replaced by A.
Protein change: p.Asp1778Glu; replaces aspartic acid 1778 with glutamic acid.
Molecular consequence: missense variant. On other transcripts: non-coding transcript variant (1), intron variant (1).
Genome position (GRCh38, 1-based): chr17:43,049,193, A>T on the plus strand (T>A on the coding strand, the complement: BRCA1 is on the minus strand). VCF-style: chr17-43049193-A-T. GRCh37 (hg19) VCF-style: chr17-41201210-A-T.
Other names: c.5001T>A, p.Asp1667Glu (NM_001407947.1, NM_001407948.1, NM_001407949.1 and 1 more transcripts); c.4998T>A, p.Asp1666Glu (NM_001407950.1, NM_001407951.1, NM_001407952.1 and 3 more transcripts); c.4995T>A, p.Asp1665Glu (NM_001407956.1, NM_001407957.1, NM_001407958.1); c.4443T>A, p.Asp1481Glu (NM_001407967.1); c.2730T>A, p.Asp910Glu (NM_001407968.1); c.2727T>A, p.Asp909Glu (NM_001407969.1); c.2091T>A, p.Asp697Glu (NM_001407970.1, NM_001407971.1); c.2088T>A, p.Asp696Glu (NM_001407972.1); and 73 more; short protein forms D1731E, D1799E, D674E, D1778E, D1481E, D1649E, D1651E, D1665E.
Identifiers: ClinVar variation 865356 (VCV000865356.18), dbSNP rs754152768, ClinGen allele CA10590796.